The following is an entry in ClinVar:

NM_002016.2(FLG):c.10054A>G (p.Thr3352Ala)

Genes: CCDST (cervical cancer associated DHX9 suppressive transcript; plus strand), FLG (filaggrin; minus strand). Cytogenetic location: 1q21.3.
Variant type: single nucleotide variant.
Coding change: c.10054A>G on transcript NM_002016.2 (MANE Select); coding-DNA position 10054, A replaced by G.
Protein change: p.Thr3352Ala; replaces threonine 3352 with alanine.
Molecular consequence: missense variant.
Genome position (GRCh38, 1-based): chr1:152,304,832, T>C on the plus strand (A>G on the coding strand, the complement: FLG is on the minus strand). VCF-style: chr1-152304832-T-C. GRCh37 (hg19) VCF-style: chr1-152277308-T-C.
Other names: short protein forms T3352A.
Identifiers: ClinVar variation 1325606 (VCV001325606.1), dbSNP rs759537361, ClinGen allele CA1103565.

ClinVar aggregate classification (germline): Uncertain significance (1 of 4 stars; one submission).

Conditions:
Ichthyosis vulgaris. Also called: ICHTHYOSIS SIMPLEX; Dominant ichthyosis vulgaris. Identifiers: MedGen C0079584, MONDO:0024304, OMIM 146700.

Allele frequency attached by ClinVar (database versions not stated): gnomAD 0.00001; gnomAD exomes 0.00001 and 0.00002; ExAC 0.00002.
gnomAD v4.1: 16 of 1,613,800 alleles (0.00099%); highest among the groups gnomAD compares: Middle Eastern, 0.017%; no homozygotes.

Submission:

New York Genome Center
Classification: Uncertain significance for Ichthyosis vulgaris. Last evaluated: 2020-07-06. Review status: criteria provided, single submitter. Criteria: NYGC Assertion Criteria 2020. Collection method: clinical testing. Allele origin: inherited. Observed: 1 heterozygote. Study: CSER-NYCKidSeq.
Comment: The inherited c.10054A>G, p.Thr3352Ala missense variant identified FLG has not been reported in the literature. This variant has a frequency of 0.0023% (6 heterozygous out of 251,484 alleles) in gnomAD database, indicating this is a rare allele. This substitution occurs at a position that is not conserved across species, and in-silico analysis predicts conflicting evidence of pathogenicity. Based on the available evidence, the inherited c.10054A>G, p.Thr3352Ala variant in the FLG gene is classified as a Variant of Uncertain Significance.